The following is an entry in ClinVar:

NM_000069.3(CACNA1S):c.393C>T (p.Phe131=)

Gene: CACNA1S (calcium voltage-gated channel subunit alpha1 S; minus strand). Cytogenetic location: 1q32.1.
Variant type: single nucleotide variant.
Coding change: c.393C>T on transcript NM_000069.3 (MANE Select); coding-DNA position 393, C replaced by T.
Protein change: p.Phe131=; no amino-acid change (phenylalanine 131 retained).
Molecular consequence: synonymous variant.
Genome position (GRCh38, 1-based): chr1:201,093,887, G>A on the plus strand (C>T on the coding strand, the complement: CACNA1S is on the minus strand). VCF-style: chr1-201093887-G-A. GRCh37 (hg19) VCF-style: chr1-201063015-G-A.
Identifiers: ClinVar variation 3071675 (VCV003071675.1), dbSNP rs1175591941, ClinGen allele CA422694735.

ClinVar aggregate classification (germline): Likely benign (1 of 4 stars; one submission).

Conditions:
Malignant hyperthermia, susceptibility to, 5 (MHS5). Also called: CACNA1S-Related Malignant Hyperthermia Susceptibility. Identifiers: Orphanet 423, MedGen C1866077, MONDO:0011163, OMIM 601887.

Allele frequency attached by ClinVar (database versions not stated): gnomAD 0.00001; gnomAD exomes 0.00001.
gnomAD v4.1: 20 of 1,613,948 alleles (0.0012%); highest among the groups gnomAD compares: Non-Finnish European, 0.0016%; no homozygotes.

Submission:

All of Us Research Program, National Institutes of Health
Classification: Likely benign for Malignant hyperthermia, susceptibility to, 5. Last evaluated: 2023-12-01. Review status: criteria provided, single submitter. Criteria: ACMG Guidelines, 2015. Collection method: clinical testing. Allele origin: germline. Inheritance: Autosomal dominant inheritance. Observed: 3 variant alleles, 3 heterozygotes.
Comment: This study involves interpretation of variants in research participants for the purpose of population health screening. Participant phenotype was not available at the time of variant classification. Additional details can be found in publication PMID: 35346344, PMCID: PMC8962531